The following is an entry in ClinVar:

ClinVar aggregate classification (germline): Uncertain significance (1 of 4 stars; one submission).

Conditions:
Inborn genetic diseases. Identifiers: MedGen C0950123, MeSH D030342.

Submission:

Ambry Genetics
Classification: Uncertain significance for Inborn genetic diseases. Last evaluated: 2025-11-16. Review status: criteria provided, single submitter. Criteria: Ambry Variant Classification Scheme 2023. Collection method: clinical testing. Allele origin: germline.
Comment: The p.L760M variant (also known as c.2278T>A), located in coding exon 12 of the BMPR2 gene, results from a T to A substitution at nucleotide position 2278. The leucine at codon 760 is replaced by methionine, an amino acid with highly similar properties. This amino acid position is conserved. In addition, the in silico prediction for this alteration is inconclusive. Based on the available evidence, the clinical significance of this variant remains unclear.

NM_001204.7(BMPR2):c.2278T>A (p.Leu760Met)

Gene: BMPR2 (bone morphogenetic protein receptor type 2; plus strand). Cytogenetic location: 2q33.2.
Variant type: single nucleotide variant.
Coding change: c.2278T>A on transcript NM_001204.7 (MANE Select); coding-DNA position 2278, T replaced by A.
Protein change: p.Leu760Met; replaces leucine 760 with methionine.
Molecular consequence: missense variant.
Genome position (GRCh38, 1-based): chr2:202,555,943, T>A. VCF-style: chr2-202555943-T-A. GRCh37 (hg19) VCF-style: chr2-203420666-T-A.
Other names: short protein forms L760M.
Identifiers: ClinVar variation 4597753 (VCV004597753.1).
Genomic context (GRCh38, chr2:202,555,943, plus strand): 5'-ACTCAGATCTATCCTCTCCCCAAGCAGCAGAACCTTCCCAAGAGACCTACTAGTTTGCCT[T>A]TGAACACCAAAAATTCAACAAAAGAGCCCCGGCTAAAATTTGGCAGCAAGCACAAATCAA-3'
Protein context (NP_001195.2, residues 750-770): NLPKRPTSLP[Leu760Met]NTKNSTKEPR